The following is an entry in ClinVar:

NM_001287.6(CLCN7):c.502G>C (p.Glu168Gln)

Gene: CLCN7 (chloride voltage-gated channel 7; minus strand). Cytogenetic location: 16p13.3.
Variant type: single nucleotide variant.
Coding change: c.502G>C on transcript NM_001287.6 (MANE Select); coding-DNA position 502, G replaced by C.
Protein change: p.Glu168Gln; replaces glutamic acid 168 with glutamine.
Molecular consequence: missense variant.
Genome position (GRCh38, 1-based): chr16:1,460,510, C>G on the plus strand (G>C on the coding strand, the complement: CLCN7 is on the minus strand). VCF-style: chr16-1460510-C-G. GRCh37 (hg19) VCF-style: chr16-1510511-C-G.
Other names: c.430G>C, p.Glu144Gln (NM_001114331.3); short protein forms E144Q, E168Q.
Identifiers: ClinVar variation 1961794 (VCV001961794.5), dbSNP rs780537814, ClinGen allele CA7810747.
Genomic context (GRCh38, chr16:1,460,510, plus strand): 5'-GCACGAAGGCGGCGTTCAGCGTGGCCCACAGCAACAGGGAGAAGGACAGTCCGCCCTTCT[C>G]TGTGAACTTGTCGATATCTGGGGCTCATCAAGGAGGGCTGGCTGCTTCCCCGTCATGACC-3'
Protein context (NP_001278.1, residues 158-178): VIKGNIDKFT[Glu168Gln]KGGLSFSLLL

ClinVar aggregate classification (germline): Uncertain significance (1 of 4 stars; one submission).

Allele frequency attached by ClinVar (database versions not stated): ExAC 0.00001; gnomAD exomes 0.00001; gnomAD 0.00003; TOPMed 0.00003.
gnomAD v4.1: 8 of 1,613,438 alleles (0.0005%); highest among the groups gnomAD compares: African/African-American, 0.011%; no homozygotes.

Submission:

Labcorp Genetics (formerly Invitae), Labcorp
Classification: Uncertain significance. Last evaluated: 2022-11-22. Review status: criteria provided, single submitter. Criteria: Invitae Variant Classification Sherloc (09022015). Collection method: clinical testing. Allele origin: germline.
Comment: In summary, the available evidence is currently insufficient to determine the role of this variant in disease. Therefore, it has been classified as a Variant of Uncertain Significance. Algorithms developed to predict the effect of missense changes on protein structure and function (SIFT, PolyPhen-2, Align-GVGD) all suggest that this variant is likely to be tolerated. This variant has not been reported in the literature in individuals affected with CLCN7-related conditions. This variant is present in population databases (rs780537814, gnomAD 0.008%). This sequence change replaces glutamic acid, which is acidic and polar, with glutamine, which is neutral and polar, at codon 168 of the CLCN7 protein (p.Glu168Gln).